The following is an entry in ClinVar:

ClinVar aggregate classification (germline): Uncertain significance (1 of 4 stars; one submission).

gnomAD v4.1: 2 of 1,614,196 alleles (0.00012%); highest among the groups gnomAD compares: South Asian, 0.0011%; no homozygotes.

Submission:

Ambry Genetics
Classification: Uncertain significance. Last evaluated: 2025-10-13. Review status: criteria provided, single submitter. Criteria: Ambry Variant Classification Scheme 2023. Collection method: clinical testing. Allele origin: germline.
Comment: The p.G1073E variant (also known as c.3218G>A), located in coding exon 12 of the CDK12 gene, results from a G to A substitution at nucleotide position 3218. The glycine at codon 1073 is replaced by glutamic acid, an amino acid with similar properties. This amino acid position is conserved. In addition, this alteration is predicted to be tolerated by in silico analysis. Based on the available evidence, the clinical significance of this variant remains unclear.

NM_016507.4(CDK12):c.3218G>A (p.Gly1073Glu)

Gene: CDK12 (cyclin dependent kinase 12; plus strand). Cytogenetic location: 17q12.
Variant type: single nucleotide variant.
Coding change: c.3218G>A on transcript NM_016507.4 (MANE Select); coding-DNA position 3218, G replaced by A.
Protein change: p.Gly1073Glu; replaces glycine 1073 with glutamic acid.
Molecular consequence: missense variant.
Genome position (GRCh38, 1-based): chr17:39,524,796, G>A. VCF-style: chr17-39524796-G-A. GRCh37 (hg19) VCF-style: chr17-37681049-G-A.
Other names: c.3218G>A, p.Gly1073Glu (NM_015083.4); short protein forms G1073E.
Identifiers: ClinVar variation 4651372 (VCV004651372.1).
Genomic context (GRCh38, chr17:39,524,796, plus strand): 5'-GTGGTGTTGTAGTCGAAGAGCCACCTCCATCCAAAACTTCTCGAAAAGAAACTACCTCAG[G>A]GACAAGTACTGAGCCTGTGAAGAACAGCAGCCCAGCACCACCTCAGCCTGCTCCTGGCAA-3'
Protein context (NP_057591.2, residues 1063-1083): SKTSRKETTS[Gly1073Glu]TSTEPVKNSS